The following is an entry in ClinVar:

ClinVar aggregate classification (germline): Uncertain significance (1 of 4 stars; one submission).

Submission:

Labcorp Genetics (formerly Invitae), Labcorp
Classification: Uncertain significance. Last evaluated: 2022-12-27. Review status: criteria provided, single submitter. Criteria: Invitae Variant Classification Sherloc (09022015). Collection method: clinical testing. Allele origin: germline.
Comment: In summary, the available evidence is currently insufficient to determine the role of this variant in disease. Therefore, it has been classified as a Variant of Uncertain Significance. Algorithms developed to predict the effect of missense changes on protein structure and function (SIFT, PolyPhen-2, Align-GVGD) all suggest that this variant is likely to be disruptive. This variant has not been reported in the literature in individuals affected with PACS2-related conditions. This variant is not present in population databases (gnomAD no frequency). This sequence change replaces proline, which is neutral and non-polar, with arginine, which is basic and polar, at codon 101 of the PACS2 protein (p.Pro101Arg).

NM_001100913.3(PACS2):c.302C>G (p.Pro101Arg)

Gene: PACS2 (phosphofurin acidic cluster sorting protein 2; plus strand). Cytogenetic location: 14q32.33.
Variant type: single nucleotide variant.
Coding change: c.302C>G on transcript NM_001100913.3 (MANE Select); coding-DNA position 302, C replaced by G.
Protein change: p.Pro101Arg; replaces proline 101 with arginine.
Molecular consequence: missense variant.
Genome position (GRCh38, 1-based): chr14:105,355,056, C>G. VCF-style: chr14-105355056-C-G. GRCh37 (hg19) VCF-style: chr14-105821393-C-G.
Other names: c.101C>G, p.Pro34Arg (NM_001243127.3); c.302C>G, p.Pro101Arg (NM_015197.4); short protein forms P101R, P34R.
Identifiers: ClinVar variation 2824554 (VCV002824554.3), dbSNP rs2544582920, ClinGen allele CA391200435.